The following is an entry in ClinVar:

NM_025077.4(TOE1):c.307G>A (p.Ala103Thr)

Gene: TOE1 (target of EGR1, exonuclease; plus strand). Cytogenetic location: 1p34.1.
Variant type: single nucleotide variant.
Coding change: c.307G>A on transcript NM_025077.4 (MANE Select); coding-DNA position 307, G replaced by A.
Protein change: p.Ala103Thr; replaces alanine 103 with threonine.
Molecular consequence: missense variant.
Genome position (GRCh38, 1-based): chr1:45,341,543, G>A. VCF-style: chr1-45341543-G-A. GRCh37 (hg19) VCF-style: chr1-45807215-G-A.
Other names: TOE1, ALA103THR (rs371848318); short protein forms A103T.
Identifiers: ClinVar variation 417748 (VCV000417748.3), dbSNP rs371848318, ClinGen allele CA826522.

ClinVar aggregate classification (germline): Likely pathogenic. Review status: criteria provided, single submitter (1 of 4 stars). 3 submissions from 3 submitters: Likely pathogenic (1). 2 of the submissions do not count toward it. Last evaluated 2026-07-20.

Conditions:
TOE1-related disorder. Also called: TOE1-related condition.
Pontocerebellar hypoplasia type 7. Identifiers: Orphanet 284339, MedGen C3554226, MONDO:0013993, OMIM 614969.

Allele frequency attached by ClinVar (database versions not stated): TOPMed below 0.00001; gnomAD exomes 0.00001; ExAC 0.00002; ESP Exome Variant Server 0.00008.
gnomAD v4.1: 3 of 1,613,756 alleles (0.00019%); highest among the groups gnomAD compares: East Asian, 0.0045%; no homozygotes.

Submissions (3):

PreventionGenetics, part of Exact Sciences
Classification: Likely pathogenic for TOE1-related condition. Last evaluated: 2026-07-20. Review status: criteria provided, single submitter. Criteria: ACMG Guidelines, 2015. Collection method: clinical testing. Allele origin: germline.
Comment: The TOE1 c.307G>A variant is predicted to result in the amino acid substitution p.Ala103Thr. This variant was reported in the homozygous state in two family members with pontocerebellar hypoplasia (Lardelli et al. 2017. PubMed ID: 28092684). In vitro and in vivo experimental studies suggest this variant reduces protein stability and fails to rescue structural brain defects in toe1 depleted zebrafish (Supplemental Figure 3 and 6, Lardelli et al. 2017. PubMed ID: 28092684). This variant is reported in 0.011% of alleles in individuals of East Asian descent in gnomAD. This variant is interpreted as likely pathogenic.

University of Washington Center for Mendelian Genomics, University of Washington
Classification: Likely pathogenic for Pontocerebellar Hypoplasia Type 7. Last evaluated: 2017-07-16. Review status: no assertion criteria provided. Collection method: research. Allele origin: unknown. Affected: yes. Not counted in ClinVar's aggregate classification.

OMIM
Classification: Pathogenic for PONTOCEREBELLAR HYPOPLASIA, TYPE 7. Last evaluated: 2017-04-15. Review status: no assertion criteria provided. Collection method: literature only. Allele origin: germline. Not counted in ClinVar's aggregate classification.

Literature cited by the submitters: PubMed 28092684 (cited by University of Washington Center for Mendelian Genomics, University of Washington and OMIM).